The following is an entry in ClinVar:

ClinVar aggregate classification (germline): Uncertain significance (1 of 4 stars; one submission).

Submission:

GeneDx
Classification: Uncertain significance. Last evaluated: 2024-09-03. Review status: criteria provided, single submitter. Criteria: GeneDx Variant Classification Process June 2021. Collection method: clinical testing. Allele origin: germline. Affected: yes.
Comment: Has not been previously published as pathogenic or benign to our knowledge; Not observed at significant frequency in large population cohorts (gnomAD); Initiation codon variant in a gene for which loss-of-function is not a known mechanism of disease

NM_033118.4(MYLK2):c.1A>G (p.Met1Val)

Gene: MYLK2 (myosin light chain kinase 2; plus strand). Cytogenetic location: 20q11.21.
Variant type: single nucleotide variant.
Coding change: c.1A>G on transcript NM_033118.4 (MANE Select); coding-DNA position 1, A replaced by G.
Protein change: p.Met1Val; changes the start codon (methionine 1).
Molecular consequence: missense variant, initiator codon variant.
Genome position (GRCh38, 1-based): chr20:31,819,581, A>G. VCF-style: chr20-31819581-A-G. GRCh37 (hg19) VCF-style: chr20-30407384-A-G.
Other names: short protein forms M1V.
Identifiers: ClinVar variation 3766133 (VCV003766133.1).
Genomic context (GRCh38, chr20:31,819,581, plus strand): 5'-TTGTTTCTGCAGCTAGAAAGACTTGAGTTAGACAAGCAGCAGCACACGCCTCCCTACCTC[A>G]TGGCGACAGAAAATGGAGCAGTTGAGCTGGGAATTCAGAACCCATCAACAGGTGCCAAGC-3'
Protein context (NP_149109.1, residues 1-11): [Met1Val]ATENGAVELG